The following is an entry in ClinVar:

NM_001352754.2(ARMC9):c.2118C>T (p.Cys706=)

Gene: ARMC9 (armadillo repeat containing 9; plus strand). Cytogenetic location: 2q37.1.
Variant type: single nucleotide variant.
Coding change: c.2118C>T on transcript NM_001352754.2 (MANE Select); coding-DNA position 2118, C replaced by T.
Protein change: p.Cys706=; no amino-acid change (cysteine 706 retained).
Molecular consequence: synonymous variant.
Genome position (GRCh38, 1-based): chr2:231,355,921, C>T. VCF-style: chr2-231355921-C-T. GRCh37 (hg19) VCF-style: chr2-232220633-C-T.
Other names: c.2118C>T, p.Cys706= (NM_001271466.4).
Identifiers: ClinVar variation 3032383 (VCV003032383.2), dbSNP rs2045327588, ClinGen allele CA431742283.

ClinVar aggregate classification (germline): Likely benign (0 of 4 stars; one submission).

Conditions:
ARMC9-related disorder. Also called: ARMC9-related condition.

Allele frequency attached by ClinVar (database versions not stated): gnomAD exomes below 0.00001; gnomAD 0.00001.
gnomAD v4.1: 6 of 1,535,384 alleles (0.00039%); highest among the groups gnomAD compares: South Asian, 0.0012%; no homozygotes.

Submission:

PreventionGenetics, part of Exact Sciences
Classification: Likely benign for ARMC9-related condition. Last evaluated: 2021-01-04. Review status: no assertion criteria provided. Collection method: clinical testing. Allele origin: germline.
Comment: This variant is classified as likely benign based on ACMG/AMP sequence variant interpretation guidelines (Richards et al. 2015 PMID: 25741868, with internal and published modifications).